The following is an entry in ClinVar:

ClinVar aggregate classification (germline): Pathogenic (1 of 4 stars; one submission).

Conditions:
Landau-Kleffner syndrome (FESD). Also called: EPILEPSY, FOCAL, WITH SPEECH DISORDER AND WITH OR WITHOUT MENTAL RETARDATION; APHASIA, ACQUIRED, WITH EPILEPSY. Identifiers: Orphanet 1945, Orphanet 725, Orphanet 98818, MedGen C0282512, MONDO:0009509, OMIM 245570.

Submission:

Labcorp Genetics (formerly Invitae), Labcorp
Classification: Pathogenic for Landau-Kleffner syndrome. Last evaluated: 2024-03-28. Review status: criteria provided, single submitter. Criteria: Invitae Variant Classification Sherloc (09022015). Collection method: clinical testing. Allele origin: germline.
Comment: This sequence change affects a donor splice site in intron 4 of the GRIN2A gene. It is expected to disrupt RNA splicing. Variants that disrupt the donor or acceptor splice site typically lead to a loss of protein function (PMID: 16199547), and loss-of-function variants in GRIN2A are known to be pathogenic (PMID: 23933819, 23933820). This variant is not present in population databases (gnomAD no frequency). Disruption of this splice site has been observed in individuals with clinical features of GRIN2A-related conditions (PMID: 23933819). Algorithms developed to predict the effect of sequence changes on RNA splicing suggest that this variant may disrupt the consensus splice site. For these reasons, this variant has been classified as Pathogenic.

Literature cited by the submitters: PubMed 16199547; PubMed 23933819; PubMed 23933820.

NM_001134407.3(GRIN2A):c.1007+1G>C

Gene: GRIN2A (glutamate ionotropic receptor NMDA type subunit 2A; minus strand). Cytogenetic location: 16p13.2.
Variant type: single nucleotide variant.
Coding change: c.1007+1G>C on transcript NM_001134407.3 (MANE Select); the canonical splice donor site of the intron after coding-DNA position 1007, G replaced by C.
Molecular consequence: splice donor variant.
Genome position (GRCh38, 1-based): chr16:9,937,958, C>G on the plus strand (G>C on the coding strand, the complement: GRIN2A is on the minus strand). VCF-style: chr16-9937958-C-G. GRCh37 (hg19) VCF-style: chr16-10031815-C-G.
Other names: c.1007+1G>C (NM_001134408.2, NM_000833.5).
Identifiers: ClinVar variation 3647971 (VCV003647971.2).